The following is an entry in ClinVar:

ClinVar aggregate classification (germline): Uncertain significance. Review status: criteria provided, multiple submitters, no conflicts (2 of 4 stars). 3 submissions from 3 submitters: Uncertain significance (3). Last evaluated 2024-10-19.

Conditions:
Inborn genetic diseases. Identifiers: MedGen C0950123, MeSH D030342.
Joubert syndrome 3 (JBTS3). Also called: AHI1-related Ciliopathy. Identifiers: Orphanet 220493, MedGen C1837713, MONDO:0012078, OMIM 608629.
Joubert syndrome. Also called: CEREBELLOPARENCHYMAL DISORDER IV; JOUBERT-BOLTSHAUSER SYNDROME; Familial aplasia of the vermis. Identifiers: Orphanet 475, MedGen C5979921, MONDO:0018772.

Allele frequency attached by ClinVar (database versions not stated): gnomAD 0.00002; gnomAD exomes 0.00002.
gnomAD v4.1: 40 of 1,611,522 alleles (0.0025%); highest among the groups gnomAD compares: East Asian, 0.0045%; no homozygotes.

Submissions (3):

Labcorp Genetics (formerly Invitae), Labcorp
Classification: Uncertain significance for Joubert syndrome. Last evaluated: 2024-10-19. Review status: criteria provided, single submitter. Criteria: Invitae Variant Classification Sherloc (09022015). Collection method: clinical testing. Allele origin: germline.
Comment: This sequence change replaces aspartic acid, which is acidic and polar, with asparagine, which is neutral and polar, at codon 65 of the AHI1 protein (p.Asp65Asn). This variant is present in population databases (no rsID available, gnomAD 0.004%). This variant has not been reported in the literature in individuals affected with AHI1-related conditions. ClinVar contains an entry for this variant (Variation ID: 1407439). Invitae Evidence Modeling of protein sequence and biophysical properties (such as structural, functional, and spatial information, amino acid conservation, physicochemical variation, residue mobility, and thermodynamic stability) indicates that this missense variant is not expected to disrupt AHI1 protein function with a negative predictive value of 95%. In summary, the available evidence is currently insufficient to determine the role of this variant in disease. Therefore, it has been classified as a Variant of Uncertain Significance.

Fulgent Genetics
Classification: Uncertain significance for Joubert syndrome 3. Last evaluated: 2024-03-27. Review status: criteria provided, single submitter. Criteria: ACMG Guidelines, 2015. Collection method: clinical testing. Allele origin: germline.

Ambry Genetics
Classification: Uncertain significance for Inborn genetic diseases. Last evaluated: 2022-01-19. Review status: criteria provided, single submitter. Criteria: Ambry Variant Classification Scheme 2023. Collection method: clinical testing. Allele origin: germline.

NM_001134831.2(AHI1):c.193G>A (p.Asp65Asn)

Gene: AHI1 (Abelson helper integration site 1; minus strand). Cytogenetic location: 6q23.3.
Variant type: single nucleotide variant.
Coding change: c.193G>A on transcript NM_001134831.2 (MANE Select); coding-DNA position 193, G replaced by A.
Protein change: p.Asp65Asn; replaces aspartic acid 65 with asparagine.
Molecular consequence: missense variant.
Genome position (GRCh38, 1-based): chr6:135,466,370, C>T on the plus strand (G>A on the coding strand, the complement: AHI1 is on the minus strand). VCF-style: chr6-135466370-C-T. GRCh37 (hg19) VCF-style: chr6-135787508-C-T.
Other names: c.193G>A (NM_017651.4); c.193G>A, p.Asp65Asn (NM_001134830.2, NM_001134832.2, NM_001350503.2 and 2 more transcripts); short protein forms D65N.
Identifiers: ClinVar variation 1407439 (VCV001407439.10), dbSNP rs1001283344, ClinGen allele CA148149399.